The following is an entry in ClinVar:

ClinVar aggregate classification (germline): Benign (1 of 4 stars; one submission).

Conditions:
DICER1-related tumor predisposition. Also called: DICER1 syndrome; DICER1-related pleuropulmonary blastoma cancer predisposition syndrome. Identifiers: Orphanet 284343, MedGen C3839822, MONDO:0100216.

Submission:

Myriad Genetics, Inc.
Classification: Benign for DICER1-related tumor predisposition. Last evaluated: 2026-04-14. Review status: criteria provided, single submitter. Criteria: Myriad Autosomal Dominant, Autosomal Recessive and X-Linked Classification Criteria (2023). Collection method: clinical testing. Allele origin: unknown.
Comment: This variant is considered benign. This variant is a silent/synonymous amino acid change and it is not expected to impact splicing.

NM_177438.3(DICER1):c.54C>T (p.Thr18=)

Gene: DICER1 (dicer 1, ribonuclease III; minus strand). Cytogenetic location: 14q32.13.
Variant type: single nucleotide variant.
Coding change: c.54C>T on transcript NM_177438.3 (MANE Select); coding-DNA position 54, C replaced by T.
Protein change: p.Thr18=; no amino-acid change (threonine 18 retained).
Molecular consequence: synonymous variant. On other transcripts: 5 prime UTR variant (8), non-coding transcript variant (6), intron variant (1).
Genome position (GRCh38, 1-based): chr14:95,133,405, G>A on the plus strand (C>T on the coding strand, the complement: DICER1 is on the minus strand). VCF-style: chr14-95133405-G-A. GRCh37 (hg19) VCF-style: chr14-95599742-G-A.
Other names: c.54C>T, p.Thr18= (NM_001195573.1, NM_001271282.3, NM_001291628.2 and 14 more transcripts); c.-221C>T (NM_001395686.1, NM_001395688.1, NM_001395689.1 and 3 more transcripts); c.-405C>T (NM_001395691.1); c.-1515C>T (NM_001395697.1); c.-130-728C>T (NM_001395687.1).
Identifiers: ClinVar variation 4875874 (VCV004875874.1).
Genomic context (GRCh38, chr14:95,133,405, plus strand): 5'-ATGAATTGCTTCTTGTTGCCATGGCAGTCCAAAGAAAGGACCCATTGGTGAGGAAGCAGG[G>A]GTCATGAGCTGCAGGCCTGCCATGCTGAGGGGTTGCAAAGCAGGGCTTTTCATTCATCCA-3'
Protein context (NP_803187.1, residues 8-28): PLSMAGLQLM[Thr18=]PASSPMGPFF